The following is an entry in ClinVar:

ClinVar aggregate classification (germline): Uncertain significance (1 of 4 stars; one submission).

Conditions:
Complement component 3 deficiency. Identifiers: Orphanet 280133, MedGen C3151071, MONDO:0013417, OMIM 613779.
C3 glomerulonephritis. Also called: Nephropathy due to CFHR5 Deficiency; C3 GLOMERULOPATHY 3. Identifiers: Orphanet 329931, MedGen C4055342, MONDO:0013892, OMIM 614809.
Atypical hemolytic-uremic syndrome. Identifiers: Orphanet 2134, MedGen C2931788, MONDO:0016244.

Submission:

Genomenon, Inc
Classification: Uncertain significance for Complement component 3 deficiency; C3 glomerulonephritis; Atypical hemolytic-uremic syndrome. Last evaluated: 2025-09-30. Review status: criteria provided, single submitter. Criteria: Genomenon Sequence Variant Interpretation Standards. Collection method: curation. Allele origin: germline. Affected: no.
Comment: C3 p.Glu1221Ala (c.3662A>C) is a missense variant that changes the amino acid at residue 1221 from Glutamic acid to Alanine. This variant has been reported in the published literature (PMID:7868901). It is absent or not present at a significant frequency in gnomAD. In silico models agree that this variant is not damaging. In conclusion, we classify C3 p.Glu1221Ala (c.3662A>C) as a variant of unknown significance.

Literature cited by the submitters: PubMed 7868901.

NM_000064.4(C3):c.3662A>C (p.Glu1221Ala)

Gene: C3 (complement C3; minus strand). Cytogenetic location: 19p13.3.
Variant type: single nucleotide variant.
Coding change: c.3662A>C on transcript NM_000064.4 (MANE Select); coding-DNA position 3662, A replaced by C.
Protein change: p.Glu1221Ala; replaces glutamic acid 1221 with alanine.
Molecular consequence: missense variant.
Genome position (GRCh38, 1-based): chr19:6,686,272, T>G on the plus strand (A>C on the coding strand, the complement: C3 is on the minus strand). VCF-style: chr19-6686272-T-G. GRCh37 (hg19) VCF-style: chr19-6686283-T-G.
Other names: short protein forms E1221A.
Identifiers: ClinVar variation 4280221 (VCV004280221.1).